The following is an entry in ClinVar:

NC_000015.9:g.(?_44898203)_(44955845_?)del

Gene: SPG11 (SPG11 vesicle trafficking associated, spatacsin; minus strand). Cytogenetic location: 15q21.1.
Variant type: Deletion.
Identifiers: ClinVar variation 3243787 (VCV003243787.1).

ClinVar aggregate classification (germline): Pathogenic (1 of 4 stars; one submission).

Conditions:
Hereditary spastic paraplegia 11. Also called: Spastic paraplegia, mental retardation and thin corpus callosum; SPASTIC PARAPLEGIA, AUTOSOMAL RECESSIVE, COMPLICATED, WITH THIN CORPUS CALLOSUM; SPASTIC PARAPLEGIA, AUTOSOMAL RECESSIVE, WITH MENTAL IMPAIRMENT AND THIN CORPUS CALLOSUM; Spastic Paraplegia 11; Nakamura Osame syndrome; Autosomal recessive hereditary spastic paraplegia, mental impairment, and thin corpus callosum. Identifiers: Orphanet 2822, MedGen C1858479, MONDO:0011445, OMIM 604360.

Submission:

Labcorp Genetics (formerly Invitae), Labcorp
Classification: Pathogenic for Hereditary spastic paraplegia 11. Last evaluated: 2022-04-10. Review status: criteria provided, single submitter. Criteria: Invitae Variant Classification Sherloc (09022015). Collection method: clinical testing. Allele origin: unknown.
Comment: This variant has not been reported in the literature in individuals affected with SPG11-related conditions. This variant is a gross deletion of the genomic region encompassing exon(s) 1-20 of the SPG11 gene, which includes the initiator codon. This deletion extends beyond the assayed region for this gene and therefore may encompass additional genes. It is expected to result in an absent or disrupted protein product. Loss-of-function variants in SPG11 are known to be pathogenic (PMID: 19105190, 20110243, 22154821, 26556829). For these reasons, this variant has been classified as Pathogenic.

Literature cited by the submitters: PubMed 19105190; PubMed 20110243; PubMed 22154821; PubMed 26556829.